The following is an entry in ClinVar:

NM_001267550.2(TTN):c.59158C>T (p.Gln19720Ter)

Genes: TTN (titin; minus strand), TTN-AS1 (TTN antisense RNA 1; plus strand). Cytogenetic location: 2q31.2.
Variant type: single nucleotide variant.
Coding change: c.59158C>T on transcript NM_001267550.2 (MANE Select); coding-DNA position 59158, C replaced by T.
Protein change: p.Gln19720Ter; replaces glutamine 19720 with a stop codon.
Molecular consequence: nonsense.
Genome position (GRCh38, 1-based): chr2:178,592,961, G>A on the plus strand (C>T on the coding strand, the complement: TTN is on the minus strand). VCF-style: chr2-178592961-G-A. GRCh37 (hg19) VCF-style: chr2-179457688-G-A.
Other names: c.54235C>T, p.Gln18079Ter (NM_001256850.1); c.31963C>T, p.Gln10655Ter (NM_003319.4); c.51454C>T, p.Gln17152Ter (NM_133378.4); c.32338C>T, p.Gln10780Ter (NM_133432.3); c.32539C>T, p.Gln10847Ter (NM_133437.4); short protein forms Q17152*, Q19720*, Q18079*, Q10780*, Q10655*, Q10847*.
Identifiers: ClinVar variation 2006857 (VCV002006857.4), dbSNP rs2469555232, ClinGen allele CA349495612.

ClinVar aggregate classification (germline): Likely pathogenic (1 of 4 stars; one submission).

Conditions:
Dilated cardiomyopathy 1G (CMD1G). Identifiers: Orphanet 154, MedGen C1858763, MONDO:0011400, OMIM 604145.
Autosomal recessive limb-girdle muscular dystrophy type 2J (LGMDR10). Also called: MUSCULAR DYSTROPHY, LIMB-GIRDLE, AUTOSOMAL RECESSIVE 10; Limb-girdle muscular dystrophy, type 2J. Identifiers: Orphanet 140922, MedGen C1837342, MONDO:0012127, OMIM 608807.

Submission:

Labcorp Genetics (formerly Invitae), Labcorp
Classification: Likely pathogenic for Dilated cardiomyopathy 1G; Autosomal recessive limb-girdle muscular dystrophy type 2J. Last evaluated: 2024-10-07. Review status: criteria provided, single submitter. Criteria: Invitae Variant Classification Sherloc (09022015). Collection method: clinical testing. Allele origin: germline.
Comment: This sequence change creates a premature translational stop signal (p.Gln19720*) in the TTN gene. While this is not anticipated to result in nonsense mediated decay, it is expected to create a truncated TTN protein. This variant is not present in population databases (gnomAD no frequency). This variant has not been reported in the literature in individuals affected with TTN-related conditions. ClinVar contains an entry for this variant (Variation ID: 2006857). This variant is located in the A band of TTN (PMID: 25589632). Truncating variants in this region are significantly overrepresented in patients affected with dilated cardiomyopathy (PMID: 25589632). Truncating variants in this region have also been reported in individuals affected with autosomal recessive centronuclear myopathy (PMID: 23975875). In summary, the currently available evidence indicates that the variant is pathogenic, but additional data are needed to prove that conclusively. Therefore, this variant has been classified as Likely Pathogenic.

Literature cited by the submitters: PubMed 25589632; PubMed 23975875.